The following is an entry in ClinVar:

ClinVar aggregate classification (germline): Uncertain significance. Review status: criteria provided, multiple submitters, no conflicts (2 of 4 stars). 2 submissions from 2 submitters: Uncertain significance (2). Last evaluated 2025-02-11.

Conditions:
EGFR-related lung cancer (EGFR). Identifiers: MedGen CN130014.
Hereditary cancer-predisposing syndrome. Also called: Neoplastic Syndromes, Hereditary; Hereditary Cancer Syndrome; Hereditary neoplastic syndrome; Tumor predisposition. Identifiers: Orphanet 140162, MedGen C0027672, MeSH D009386, MONDO:0015356.

Allele frequency attached by ClinVar (database versions not stated): gnomAD exomes below 0.00001 and 0.00001; ExAC 0.00002.
gnomAD v4.1: 2 of 1,614,146 alleles (0.00012%); highest among the groups gnomAD compares: East Asian, 0.0022%; no homozygotes.

Submissions (2):

Ambry Genetics
Classification: Uncertain significance for Hereditary cancer-predisposing syndrome. Last evaluated: 2025-02-11. Review status: criteria provided, single submitter. Criteria: Ambry Variant Classification Scheme 2023. Collection method: clinical testing. Allele origin: germline.
Comment: The p.P990S variant (also known as c.2968C>T), located in coding exon 25 of the EGFR gene, results from a C to T substitution at nucleotide position 2968. The proline at codon 990 is replaced by serine, an amino acid with similar properties. This amino acid position is conserved. In addition, this alteration is predicted to be tolerated by in silico analysis. Based on the available evidence, the clinical significance of this variant remains unclear.

Labcorp Genetics (formerly Invitae), Labcorp
Classification: Uncertain significance for EGFR-related lung cancer. Last evaluated: 2024-05-31. Review status: criteria provided, single submitter. Criteria: Invitae Variant Classification Sherloc (09022015). Collection method: clinical testing. Allele origin: germline.
Comment: This sequence change replaces proline, which is neutral and non-polar, with serine, which is neutral and polar, at codon 990 of the EGFR protein (p.Pro990Ser). This variant is present in population databases (rs781134348, gnomAD 0.01%). This variant has not been reported in the literature in individuals affected with EGFR-related conditions. ClinVar contains an entry for this variant (Variation ID: 934520). Advanced modeling of protein sequence and biophysical properties (such as structural, functional, and spatial information, amino acid conservation, physicochemical variation, residue mobility, and thermodynamic stability) performed at Invitae indicates that this missense variant is not expected to disrupt EGFR protein function with a negative predictive value of 80%. In summary, the available evidence is currently insufficient to determine the role of this variant in disease. Therefore, it has been classified as a Variant of Uncertain Significance.

NM_005228.5(EGFR):c.2968C>T (p.Pro990Ser)

Gene: EGFR (epidermal growth factor receptor; plus strand). Cytogenetic location: 7p11.2.
Variant type: single nucleotide variant.
Coding change: c.2968C>T on transcript NM_005228.5 (MANE Select); coding-DNA position 2968, C replaced by T.
Protein change: p.Pro990Ser; replaces proline 990 with serine.
Molecular consequence: missense variant.
Genome position (GRCh38, 1-based): chr7:55,201,209, C>T. VCF-style: chr7-55201209-C-T. GRCh37 (hg19) VCF-style: chr7-55268902-C-T.
Other names: c.2833C>T, p.Pro945Ser (NM_001346897.2, NM_001346899.2); c.2968C>T, p.Pro990Ser (NM_001346898.2); c.2809C>T, p.Pro937Ser (NM_001346900.2); c.2167C>T, p.Pro723Ser (NM_001346941.2); short protein forms P945S, P937S, P723S, P990S.
Identifiers: ClinVar variation 934520 (VCV000934520.8), dbSNP rs781134348, ClinGen allele CA4266229.